The following is an entry in ClinVar:

ClinVar aggregate classification (germline): Uncertain significance (1 of 4 stars; one submission).

Conditions:
Adenylosuccinate lyase deficiency (ADSLD). Also called: ADSL DEFICIENCY. Identifiers: Orphanet 46, MedGen C0268126, MONDO:0007068, OMIM 103050.

Allele frequency attached by ClinVar (database versions not stated): gnomAD exomes below 0.00001.

Submission:

Labcorp Genetics (formerly Invitae), Labcorp
Classification: Uncertain significance for Adenylosuccinate lyase deficiency. Last evaluated: 2022-08-15. Review status: criteria provided, single submitter. Criteria: Invitae Variant Classification Sherloc (09022015). Collection method: clinical testing. Allele origin: germline.
Comment: This variant occurs in a non-coding region of the ADSL gene. It does not change the encoded amino acid sequence of the ADSL protein. This variant is not present in population databases (gnomAD no frequency). This variant has not been reported in the literature in individuals affected with ADSL-related conditions. Experimental studies and prediction algorithms are not available or were not evaluated, and the functional significance of this variant is currently unknown. In summary, the available evidence is currently insufficient to determine the role of this variant in disease. Therefore, it has been classified as a Variant of Uncertain Significance.

NC_000022.11:g.40346358T>C

Gene: ADSL (adenylosuccinate lyase; plus strand). Cytogenetic location: 22q13.1.
Variant type: single nucleotide variant.
Genome position: GRCh38 VCF-style: chr22-40346358-T-C. GRCh37 (hg19) VCF-style: chr22-40742362-T-C.
Identifiers: ClinVar variation 1358224 (VCV001358224.6), dbSNP rs2146610772, ClinGen allele CA2573158352.